The following is an entry in ClinVar:

NM_153717.3(EVC):c.2257C>T (p.Arg753Trp)

Gene: EVC (EvC ciliary complex subunit 1; plus strand). Cytogenetic location: 4p16.2.
Variant type: single nucleotide variant.
Coding change: c.2257C>T on transcript NM_153717.3 (MANE Select); coding-DNA position 2257, C replaced by T.
Protein change: p.Arg753Trp; replaces arginine 753 with tryptophan.
Molecular consequence: missense variant.
Genome position (GRCh38, 1-based): chr4:5,798,745, C>T. VCF-style: chr4-5798745-C-T. GRCh37 (hg19) VCF-style: chr4-5800472-C-T.
Other names: c.2257C>T, p.Arg753Trp (NM_001306090.2); short protein forms R753W.
Identifiers: ClinVar variation 2082177 (VCV002082177.2), dbSNP rs770696062, ClinGen allele CA2836425.
Genomic context (GRCh38, chr4:5,798,745, plus strand): 5'-GGGCAGCTTCTGCAGCAGCACATGGAGTGCGCCATTGGGCAGGCGCTGCTGGTGCATGCA[C>T]GGAATGCAGCCACCAAGAGCCGGGCCAAGGACAGGGATGACTTCAAGGTATGCACTGACC-3'
Protein context (NP_714928.1, residues 743-763): AIGQALLVHA[Arg753Trp]NAATKSRAKD

ClinVar aggregate classification (germline): Uncertain significance. Review status: criteria provided, multiple submitters, no conflicts (2 of 4 stars). 2 submissions from 2 submitters: Uncertain significance (2). Last evaluated 2022-12-21.

Conditions:
Curry-Hall syndrome (WAD). Also called: WEYERS ACRODENTAL DYSOSTOSIS. Identifiers: Orphanet 952, MedGen C0457013, MONDO:0008673, OMIM 193530.
Ellis-van Creveld syndrome (EVC). Also called: EVC2-Related Ellis-van Creveld Syndrome; EVC-Related Ellis-van Creveld Syndrome; Chondroectodermal dysplasia; MESOECTODERMAL DYSPLASIA. Identifiers: Orphanet 289, MedGen C0013903, MONDO:0009162, OMIM 225500.
Inborn genetic diseases. Identifiers: MedGen C0950123, MeSH D030342.

Allele frequency attached by ClinVar (database versions not stated): TOPMed 0.00002.
gnomAD v4.1: 23 of 1,611,014 alleles (0.0014%); highest among the groups gnomAD compares: Admixed American, 0.017%; no homozygotes.

Submissions (2):

Ambry Genetics
Classification: Uncertain significance for Inborn genetic diseases. Last evaluated: 2022-12-21. Review status: criteria provided, single submitter. Criteria: Ambry Variant Classification Scheme 2023. Collection method: clinical testing. Allele origin: germline.

Labcorp Genetics (formerly Invitae), Labcorp
Classification: Uncertain significance for Curry-Hall syndrome; Ellis-van Creveld syndrome. Last evaluated: 2022-08-21. Review status: criteria provided, single submitter. Criteria: Invitae Variant Classification Sherloc (09022015). Collection method: clinical testing. Allele origin: germline.
Comment: This sequence change replaces arginine, which is basic and polar, with tryptophan, which is neutral and slightly polar, at codon 753 of the EVC protein (p.Arg753Trp). This variant is present in population databases (rs770696062, gnomAD 0.03%). This variant has not been reported in the literature in individuals affected with EVC-related conditions. Algorithms developed to predict the effect of missense changes on protein structure and function are either unavailable or do not agree on the potential impact of this missense change (SIFT: "Deleterious"; PolyPhen-2: "Probably Damaging"; Align-GVGD: "Class C0"). In summary, the available evidence is currently insufficient to determine the role of this variant in disease. Therefore, it has been classified as a Variant of Uncertain Significance.